The following continues an entry in ClinVar:

NM_020166.5(MCCC1):c.1155A>C (p.Arg385Ser)

Gene: MCCC1. ClinVar aggregate classification (germline): Pathogenic/Likely pathogenic. Pathogenic (15); Likely pathogenic (1).

Submissions 14 to 17 of 17:

Ambry Genetics
Classification: Pathogenic for Inborn genetic diseases. Last evaluated: 2021-10-15. Review status: criteria provided, single submitter. Criteria: Ambry Variant Classification Scheme 2023. Collection method: clinical testing. Allele origin: germline.
Comment: The c.1155A>C (p.R385S) alteration is located in exon 11 (coding exon 11) of the MCCC1 gene. This alteration results from an A to C substitution at nucleotide position 1155, causing the arginine (R) at amino acid position 385 to be replaced by a serine (S). Based on data from gnomAD, the C allele has an overall frequency of 0.01% (37/282844) total alleles studied. The highest observed frequency was 0.03% (35/129160) of European (non-Finnish) alleles. This alteration has been detected as compound heterozygous and homozygous in multiple unrelated individuals with MCC deficiency confirmed by biochemical analyses (Baumgartner, 2001; Gallardo, 2001; Baumgartner, 2004; Gr&uuml;nert, 2012; Smon, 2018). Multiple studies show that this alteration resulted in no detectable MCC activity and failed to restore MCC activity in MCCC1-deficient fibroblasts (Baumgartner, 2001; Desviat, 2003; Baumgartner, 2004). Based on the available evidence, this alteration is classified as pathogenic.

Illumina Laboratory Services, Illumina
Classification: Pathogenic for 3-methylcrotonyl-CoA carboxylase 1 deficiency. Last evaluated: 2018-12-18. Review status: criteria provided, single submitter. Criteria: ICSL Variant Classification Criteria 09 May 2019. Collection method: clinical testing. Allele origin: germline.
Comment: Across a selection of literature the MCCC1 c.1155A>C (p.Arg385Ser) missense variant has been reported in at least 14 individuals with 3-MCC deficiency that were both symptomatic and asymptomatic. The variant was found in a homozygous state in three subjects and in a compound heterozygous state in 11 subjects (Gallardo et al. 2001; Baumgartner et al. 2001; Baumgartner et al. 2004; Dantas et al. 2005; Stadler et al. 2006; Morscher et al. 2012; Grunert et al. 2012; Shepard et al. 2015). The p.Arg385Ser variant was found in one of 216 control individuals and is reported at a frequency of 0.0003 in the European (non-Finnish) population of the Exome Aggregation Consortium. In cultured skin fibroblasts from patients carrying the p.Arg385Ser variant, MCC activity was typically less than 10% of normal (Gallardo et al. 2001; Baumgartner et al. 2001; Stadler et al. 2006). Baumgartner et al. (2001) demonstrated that the p.Arg385Ser variant conferred no detectable MCC activity when expressed in a reference cell line, though normal amounts of the protein were detected, and Baumgartner et al. (2004) showed that the MCC activity was reduced when the p.Arg385Ser variant was co-transfected with the wild type allele, which indicated a dominant negative effect. Based on the evidence the p.Arg385Ser variant is classified as pathogenic for 3-MCC deficiency. This variant was observed by ICSL as part of a predisposition screen in an ostensibly healthy population.

Eurofins Ntd Llc (ga)
Classification: Pathogenic. Last evaluated: 2013-11-26. Review status: criteria provided, single submitter. Criteria: EGL Classification Definitions. Collection method: clinical testing. Allele origin: germline. Observed: 4 variant alleles, 4 heterozygotes.

OMIM
Classification: Pathogenic for 3-METHYLCROTONYL-CoA CARBOXYLASE 1 DEFICIENCY. Last evaluated: 2004-11-01. Review status: no assertion criteria provided. Collection method: literature only. Allele origin: germline. Not counted in ClinVar's aggregate classification.

Literature cited by the submitters: PubMed 11170888 (cited by 5 submitters); PubMed 16835865 (cited by 3 submitters); PubMed 22642865 (cited by 6 submitters); PubMed 25356967 (cited by 3 submitters); PubMed 14680978 (cited by 3 submitters); PubMed 15359379 (cited by 5 submitters); PubMed 15868465 (cited by Labcorp Genetics (formerly Invitae), Labcorp and Dasa); PubMed 11181649 (cited by 3 submitters); PubMed 29111448 (cited by Ambry Genetics); PubMed 22264772 (cited by Illumina Laboratory Services, Illumina); PubMed 16010683 (cited by Illumina Laboratory Services, Illumina); PubMed 10485305 (cited by OMIM).